The following is an entry in ClinVar:

ClinVar aggregate classification (germline): Pathogenic (1 of 4 stars; one submission).

Conditions:
Cardiovascular phenotype. Identifiers: MedGen CN230736.

Submission:

Ambry Genetics
Classification: Pathogenic for Cardiovascular phenotype. Last evaluated: 2024-10-15. Review status: criteria provided, single submitter. Criteria: Ambry Variant Classification Scheme 2023. Collection method: clinical testing. Allele origin: germline.
Comment: The p.E584* pathogenic mutation (also known as c.1750G>T), located in coding exon 14 of the DSP gene, results from a G to T substitution at nucleotide position 1750. This changes the amino acid from a glutamic acid to a stop codon within coding exon 14. Alterations in DSP that result in haploinsufficiency or protein truncation have been reported in patients with arrhythmogenic right ventricular cardiomyopathy (ARVC) and dilated cardiomyopathy (DCM) (Fressart V et al. Europace. 2010;12(6):861-8; Elliott P et al. Circ Cardiovasc Genet. 2010;3(4):314-22; Quarta G et al. Circulation. 2011;123(23):2701-9; Garcia-Pavia P et al. Heart. 2011;97(21):1744-52; Rasmussen TB et al. Clin Genet.2013;84(1):20-30; Pugh TJ et al. Genet Med.2014;16(8):601-8). This alteration is expected to result in loss of function by premature protein truncation or nonsense-mediated mRNA decay. This variant is considered to be rare based on population cohorts in the Genome Aggregation Database (gnomAD). Based on the supporting evidence, this variant is interpreted as a disease-causing mutation.

NM_004415.4(DSP):c.1750G>T (p.Glu584Ter)

Gene: DSP (desmoplakin; plus strand). Cytogenetic location: 6p24.3.
Variant type: single nucleotide variant.
Coding change: c.1750G>T on transcript NM_004415.4 (MANE Select); coding-DNA position 1750, G replaced by T.
Protein change: p.Glu584Ter; replaces glutamic acid 584 with a stop codon.
Molecular consequence: nonsense.
Genome position (GRCh38, 1-based): chr6:7,571,431, G>T. VCF-style: chr6-7571431-G-T. GRCh37 (hg19) VCF-style: chr6-7571664-G-T.
Other names: c.1750G>T, p.Glu584Ter (NM_001008844.3, NM_001319034.2); short protein forms E584*.
Identifiers: ClinVar variation 3505499 (VCV003505499.1).
Genomic context (GRCh38, chr6:7,571,431, plus strand): 5'-GTCTCCTTTCAGCTGAAAACAATGCGGCAGGAAGATTACATGAAGACGATAGCCGACCTT[G>T]AGTTACATTACCAAGAGTTCATCAGAAATAGCCAAGGCTCAGAGATGTTTGGAGATGATG-3'